The following is an entry in ClinVar:

NM_025074.7(FRAS1):c.7170C>T (p.Asp2390=)

Gene: FRAS1 (Fraser extracellular matrix complex subunit 1; plus strand). Cytogenetic location: 4q21.21.
Variant type: single nucleotide variant.
Coding change: c.7170C>T on transcript NM_025074.7 (MANE Select); coding-DNA position 7170, C replaced by T.
Protein change: p.Asp2390=; no amino-acid change (aspartic acid 2390 retained).
Molecular consequence: synonymous variant.
Genome position (GRCh38, 1-based): chr4:78,466,348, C>T. VCF-style: chr4-78466348-C-T. GRCh37 (hg19) VCF-style: chr4-79387502-C-T.
Other names: c.7170C>T (NM_025074.6).
Identifiers: ClinVar variation 2729128 (VCV002729128.6), dbSNP rs569817128, ClinGen allele CA2978006.

ClinVar aggregate classification (germline): Likely benign. Review status: criteria provided, multiple submitters, no conflicts (2 of 4 stars). 3 submissions from 3 submitters: Likely benign (2). 1 of the submissions does not count toward it. Last evaluated 2025-09-28.

Conditions:
FRAS1-related disorder. Also called: FRAS1-related condition.

Allele frequency attached by ClinVar (database versions not stated): gnomAD 0.00003; TOPMed 0.00003; ExAC 0.00004; 1000 Genomes Project 0.00020; 1000 Genomes Project 30x 0.00031.
gnomAD v4.1: 54 of 1,613,922 alleles (0.0033%); highest among the groups gnomAD compares: Middle Eastern, 0.066%; no homozygotes.

Submissions (3):

Labcorp Genetics (formerly Invitae), Labcorp
Classification: Likely benign. Last evaluated: 2025-09-28. Review status: criteria provided, single submitter. Criteria: Invitae Variant Classification Sherloc (09022015). Collection method: clinical testing. Allele origin: germline.

Blueprint Genetics
Classification: Likely benign. Last evaluated: 2024-07-02. Review status: criteria provided, single submitter. Criteria: ACMG Guidelines, 2015. Collection method: clinical testing. Allele origin: germline.

PreventionGenetics, part of Exact Sciences
Classification: Likely benign for FRAS1-related condition. Last evaluated: 2019-07-12. Review status: no assertion criteria provided. Collection method: clinical testing. Allele origin: germline. Not counted in ClinVar's aggregate classification.
Comment: This variant is classified as likely benign based on ACMG/AMP sequence variant interpretation guidelines (Richards et al. 2015 PMID: 25741868, with internal and published modifications).